The following is an entry in ClinVar:

NM_003322.6(TULP1):c.718+23G>A

Gene: TULP1 (TUB like protein 1; minus strand). Cytogenetic location: 6p21.31.
Variant type: single nucleotide variant.
Coding change: c.718+23G>A on transcript NM_003322.6 (MANE Select); 23 bases into the intron after coding-DNA position 718, G replaced by A.
Molecular consequence: intron variant.
Genome position (GRCh38, 1-based): chr6:35,509,611, C>T on the plus strand (G>A on the coding strand, the complement: TULP1 is on the minus strand). VCF-style: chr6-35509611-C-T. GRCh37 (hg19) VCF-style: chr6-35477388-C-T.
Other names: c.559+23G>A (NM_001289395.2).
Identifiers: ClinVar variation 2907367 (VCV002907367.3), dbSNP rs2533803509, ClinGen allele CA2678413941.

ClinVar aggregate classification (germline): Likely pathogenic (1 of 4 stars; one submission).

Allele frequency attached by ClinVar (database versions not stated): gnomAD exomes 0.00001.

Submission:

Labcorp Genetics (formerly Invitae), Labcorp
Classification: Likely pathogenic. Last evaluated: 2023-10-28. Review status: criteria provided, single submitter. Criteria: Invitae Variant Classification Sherloc (09022015). Collection method: clinical testing. Allele origin: germline.
Comment: This sequence change falls in intron 7 of the TULP1 gene. It does not directly change the encoded amino acid sequence of the TULP1 protein. This variant is not present in population databases (gnomAD no frequency). This variant has been observed in individual(s) with retinitis pigmentosa (PMID: 30950243). In at least one individual the data is consistent with being in trans (on the opposite chromosome) from a pathogenic variant. It has also been observed to segregate with disease in related individuals. Studies have shown that this variant alters mRNA splicing and is expected to lead to the loss of protein expression (PMID: 30950243). In summary, the currently available evidence indicates that the variant is pathogenic, but additional data are needed to prove that conclusively. Therefore, this variant has been classified as Likely Pathogenic.

Literature cited by the submitters: PubMed 30950243.